The following is an entry in ClinVar:

ClinVar aggregate classification (germline): Uncertain significance. Review status: criteria provided, multiple submitters, no conflicts (2 of 4 stars). 3 submissions from 3 submitters: Uncertain significance (2). 1 of the submissions does not count toward it. Last evaluated 2022-04-21.

Conditions:
Cardiovascular phenotype. Identifiers: MedGen CN230736.
Alstrom syndrome (ALMS). Identifiers: Orphanet 64, MedGen C0268425, MONDO:0008763, OMIM 203800.

Allele frequency attached by ClinVar (database versions not stated): gnomAD below 0.00001 and 0.00001; gnomAD exomes 0.00001 and 0.00003; TOPMed 0.00001; ExAC 0.00004.
gnomAD v4.1: 23 of 1,614,088 alleles (0.0014%); highest among the groups gnomAD compares: South Asian, 0.024%; 2 homozygotes.

Submissions (3):

Ambry Genetics
Classification: Uncertain significance for Cardiovascular phenotype. Last evaluated: 2022-04-21. Review status: criteria provided, single submitter. Criteria: Ambry Variant Classification Scheme 2023. Collection method: clinical testing. Allele origin: germline.
Comment: The p.E2662K variant (also known as c.7984G>A), located in coding exon 10 of the ALMS1 gene, results from a G to A substitution at nucleotide position 7984. The glutamic acid at codon 2662 is replaced by lysine, an amino acid with similar properties. This amino acid position is poorly conserved in available vertebrate species. In addition, this alteration is predicted to be tolerated by in silico analysis. Since supporting evidence is limited at this time, the clinical significance of this alteration remains unclear.

Labcorp Genetics (formerly Invitae), Labcorp
Classification: Uncertain significance for Alstrom syndrome. Last evaluated: 2022-02-19. Review status: criteria provided, single submitter. Criteria: Invitae Variant Classification Sherloc (09022015). Collection method: clinical testing. Allele origin: germline.
Comment: This sequence change replaces glutamic acid, which is acidic and polar, with lysine, which is basic and polar, at codon 2662 of the ALMS1 protein (p.Glu2662Lys). This variant is present in population databases (rs762452929, gnomAD 0.03%). This variant has not been reported in the literature in individuals affected with ALMS1-related conditions. ClinVar contains an entry for this variant (Variation ID: 459889). In summary, the available evidence is currently insufficient to determine the role of this variant in disease. Therefore, it has been classified as a Variant of Uncertain Significance.

Natera, Inc.
Classification: Uncertain significance for Alstrom syndrome. Last evaluated: 2021-05-06. Review status: no assertion criteria provided. Collection method: clinical testing. Allele origin: germline. Not counted in ClinVar's aggregate classification.

NM_001378454.1(ALMS1):c.7981G>A (p.Glu2661Lys)

Gene: ALMS1 (ALMS1 centrosome and basal body associated protein; plus strand). Cytogenetic location: 2p13.1.
Variant type: single nucleotide variant.
Coding change: c.7981G>A on transcript NM_001378454.1 (MANE Select); coding-DNA position 7981, G replaced by A.
Protein change: p.Glu2661Lys; replaces glutamic acid 2661 with lysine.
Molecular consequence: missense variant.
Genome position (GRCh38, 1-based): chr2:73,489,940, G>A. VCF-style: chr2-73489940-G-A. GRCh37 (hg19) VCF-style: chr2-73717067-G-A.
Other names: c.7984G>A, p.Glu2662Lys (NM_015120.4); short protein forms E2662K, E2661K.
Identifiers: ClinVar variation 459889 (VCV000459889.9), dbSNP rs762452929, ClinGen allele CA1714385.